The following is an entry in ClinVar:

ClinVar aggregate classification (germline): Uncertain significance (1 of 4 stars; one submission).

Conditions:
Perlman syndrome (PRLMNS). Identifiers: Orphanet 2849, MedGen C0796113, MONDO:0009965, OMIM 267000.

Submission:

Labcorp Genetics (formerly Invitae), Labcorp
Classification: Uncertain significance for Perlman syndrome. Last evaluated: 2019-02-25. Review status: criteria provided, single submitter. Criteria: Invitae Variant Classification Sherloc (09022015). Collection method: clinical testing. Allele origin: germline.
Comment: This sequence change replaces alanine with serine at codon 428 of the DIS3L2 protein (p.Ala428Ser). The alanine residue is weakly conserved and there is a moderate physicochemical difference between alanine and serine. This variant is not present in population databases (ExAC no frequency). This variant has not been reported in the literature in individuals with DIS3L2-related conditions. Algorithms developed to predict the effect of missense changes on protein structure and function output the following: SIFT: "Tolerated"; PolyPhen-2: "Benign"; Align-GVGD: "Class C0". The serine amino acid residue is found in multiple mammalian species, suggesting that this missense change does not adversely affect protein function. These predictions have not been confirmed by published functional studies and their clinical significance is uncertain. In summary, the available evidence is currently insufficient to determine the role of this variant in disease. Therefore, it has been classified as a Variant of Uncertain Significance.

NM_152383.5(DIS3L2):c.1282G>T (p.Ala428Ser)

Gene: DIS3L2 (DIS3 like 3'-5' exoribonuclease 2; plus strand). Cytogenetic location: 2q37.1.
Variant type: single nucleotide variant.
Coding change: c.1282G>T on transcript NM_152383.5 (MANE Select); coding-DNA position 1282, G replaced by T.
Protein change: p.Ala428Ser; replaces alanine 428 with serine.
Molecular consequence: missense variant. On other transcripts: non-coding transcript variant (2).
Genome position (GRCh38, 1-based): chr2:232,238,610, G>T. VCF-style: chr2-232238610-G-T. GRCh37 (hg19) VCF-style: chr2-233103320-G-T.
Other names: c.1282G>T, p.Ala428Ser (NM_001257281.2); short protein forms A428S.
Identifiers: ClinVar variation 842377 (VCV000842377.9), dbSNP rs1692998173, ClinGen allele CA351154721.
Genomic context (GRCh38, chr2:232,238,610, plus strand): 5'-GTTCACATTGCTGACGTGAGTTACTTTGTTCCGGAGGGATCTGATCTGGATAAAGTGGCT[G>T]CCGAGAGGGCTACAAGCGTCTACTTGGTTCAAAAGGTAAAAATCCATCTCTAGTTTCTTT-3'
Protein context (NP_689596.4, residues 418-438): PEGSDLDKVA[Ala428Ser]ERATSVYLVQ